The following is an entry in ClinVar:

ClinVar aggregate classification (germline): Likely pathogenic. Review status: criteria provided, multiple submitters, no conflicts (2 of 4 stars). 2 submissions from 2 submitters: Likely pathogenic (2). Last evaluated 2025-06-23.

Conditions:
Neurodevelopmental disorder with hypotonia, brain anomalies, distinctive facies, and absent language. Also called: RNU4-2-Related Neurodevelopmental Disorder; RNU4-2–Related Autosomal Dominant Neurodevelopmental Disorder; ReNU SYNDROME. Identifiers: Orphanet 686488, MedGen C5935628, MONDO:0971172, OMIM 620851.

Submissions (2):

Variantyx, Inc.
Classification: Likely pathogenic for Neurodevelopmental disorder with hypotonia, brain anomalies, distinctive facies, and absent language. Last evaluated: 2025-06-23. Review status: criteria provided, single submitter. Criteria: Variantyx Assertion Criteria 2022. Collection method: clinical testing. Allele origin: de novo. Inheritance: Autosomal dominant inheritance. Affected: yes.
Comment: This is a single base insertion in the RNU4-2 gene (OMIM: 620823). Pathogenic variants in this gene have been associated with autosomal dominant ReNU syndrome. This variant likely occurred de novo in individuals reported in the published literature; however, the possibility of parental germline mosaicism cannot be excluded (PMID: 38821540) (PS2_Moderate). It lies within a known hotspot for pathogenic variants or a well-established critical functional domain of the RNU4-2 gene (PMID: 40011755) (PM1_Strong). This variant is absent from control populations (PM2). Based on the current evidence, this variant is classified as likely pathogenic for autosomal dominant ReNU syndrome.

Institute for Human Genetics, University Hospital Essen
Classification: Likely pathogenic for Neurodevelopmental disorder with hypotonia, brain anomalies, distinctive facies, and absent language. Last evaluated: 2005-03-05. Review status: criteria provided, single submitter. Criteria: ACMG Guidelines, 2015. Collection method: clinical testing. Allele origin: de novo. Inheritance: Autosomal dominant inheritance. Affected: yes.
Comment: PM2_supp, PM6, PM1

Literature cited by the submitters: PubMed 40011755 (cited by Variantyx, Inc.); PubMed 38821540 (cited by Variantyx, Inc.).

NR_003137.3(RNU4-2):n.65_66insT

Genes: RNU4-2 (RNA, U4 small nuclear 2; minus strand), SIRT4 (sirtuin 4; plus strand). Cytogenetic location: 12q24.23.
Variant type: Insertion.
Molecular consequence: non-coding transcript variant (on NR_003137.3).
Genome position: GRCh38 VCF-style: chr12-120291838-T-TA. GRCh37 (hg19) VCF-style: chr12-120729641-T-TA.
Identifiers: ClinVar variation 3766436 (VCV003766436.2).